The following is an entry in ClinVar:

NM_018089.3(ANKZF1):c.1013G>A (p.Arg338His)

Gene: ANKZF1 (ankyrin repeat and zinc finger peptidyl tRNA hydrolase 1; plus strand). Cytogenetic location: 2q35.
Variant type: single nucleotide variant.
Coding change: c.1013G>A on transcript NM_018089.3 (MANE Select); coding-DNA position 1013, G replaced by A.
Protein change: p.Arg338His; replaces arginine 338 with histidine.
Molecular consequence: missense variant.
Genome position (GRCh38, 1-based): chr2:219,233,908, G>A. VCF-style: chr2-219233908-G-A. GRCh37 (hg19) VCF-style: chr2-220098630-G-A.
Other names: c.1013G>A (NM_018089.2); c.1013G>A, p.Arg338His (NM_001042410.2); c.383G>A, p.Arg128His (NM_001282792.2); short protein forms R338H, R128H.
Identifiers: ClinVar variation 1424201 (VCV001424201.8), dbSNP rs767427833, ClinGen allele CA2120927.
Genomic context (GRCh38, chr2:219,233,908, plus strand): 5'-ATCCCCGACTTTGGGATATCCCCCTCGCCACCCGCAGACCCACCTTCCAAGAGCTACAGC[G>A]TGTGCTCCATAAGCTGACCACTTTGCATGTCTATGGTGAGCCTTTGCTCCAGATCCCAAT-3'
Protein context (NP_060559.2, residues 328-348): TRRPTFQELQ[Arg338His]VLHKLTTLHV

ClinVar aggregate classification (germline): Uncertain significance. Review status: criteria provided, multiple submitters, no conflicts (2 of 4 stars). 2 submissions from 2 submitters: Uncertain significance (2). Last evaluated 2024-12-10.

gnomAD v4.1: 45 of 1,602,116 alleles (0.0028%); highest among the groups gnomAD compares: Middle Eastern, 0.067%; no homozygotes.

Submissions (2):

Labcorp Genetics (formerly Invitae), Labcorp
Classification: Uncertain significance. Last evaluated: 2024-12-10. Review status: criteria provided, single submitter. Criteria: Invitae Variant Classification Sherloc (09022015). Collection method: clinical testing. Allele origin: germline.
Comment: This sequence change replaces arginine, which is basic and polar, with histidine, which is basic and polar, at codon 338 of the ANKZF1 protein (p.Arg338His). This variant is present in population databases (rs767427833, gnomAD 0.007%). This variant has not been reported in the literature in individuals affected with ANKZF1-related conditions. ClinVar contains an entry for this variant (Variation ID: 1424201). An algorithm developed to predict the effect of missense changes on protein structure and function outputs the following: PolyPhen-2: "Benign". The histidine amino acid residue is found in multiple mammalian species, which suggests that this missense change does not adversely affect protein function. In summary, the available evidence is currently insufficient to determine the role of this variant in disease. Therefore, it has been classified as a Variant of Uncertain Significance.

Ambry Genetics
Classification: Uncertain significance. Last evaluated: 2024-05-20. Review status: criteria provided, single submitter. Criteria: Ambry Variant Classification Scheme 2023. Collection method: clinical testing. Allele origin: germline.